The following is an entry in ClinVar:

ClinVar aggregate classification (germline): Uncertain significance (1 of 4 stars; one submission).

Conditions:
Emery-Dreifuss muscular dystrophy 5, autosomal dominant (EDMD5). Also called: EMERY-DREIFUSS MUSCULAR DYSTROPHY 5. Identifiers: Orphanet 261, MedGen C2751805, MONDO:0013072, OMIM 612999.

Submission:

Labcorp Genetics (formerly Invitae), Labcorp
Classification: Uncertain significance for Emery-Dreifuss muscular dystrophy 5, autosomal dominant. Last evaluated: 2021-03-19. Review status: criteria provided, single submitter. Criteria: Invitae Variant Classification Sherloc (09022015). Collection method: clinical testing. Allele origin: germline.
Comment: This variant has not been reported in the literature in individuals with SYNE2-related conditions. This variant is not present in population databases (ExAC no frequency). This sequence change replaces serine with alanine at codon 6581 of the SYNE2 protein (p.Ser6581Ala). The serine residue is weakly conserved and there is a moderate physicochemical difference between serine and alanine. Algorithms developed to predict the effect of missense changes on protein structure and function output the following: SIFT: "Tolerated"; PolyPhen-2: "Benign"; Align-GVGD: "Class C0". The alanine amino acid residue is found in multiple mammalian species, suggesting that this missense change does not adversely affect protein function. These predictions have not been confirmed by published functional studies and their clinical significance is uncertain. In summary, the available evidence is currently insufficient to determine the role of this variant in disease. Therefore, it has been classified as a Variant of Uncertain Significance.

NM_182914.3(SYNE2):c.19741T>G (p.Ser6581Ala)

Gene: SYNE2 (spectrin repeat containing nuclear envelope protein 2; plus strand). Cytogenetic location: 14q23.2.
Variant type: single nucleotide variant.
Coding change: c.19741T>G on transcript NM_182914.3 (MANE Select); coding-DNA position 19741, T replaced by G.
Protein change: p.Ser6581Ala; replaces serine 6581 with alanine.
Molecular consequence: missense variant.
Genome position (GRCh38, 1-based): chr14:64,219,291, T>G. VCF-style: chr14-64219291-T-G. GRCh37 (hg19) VCF-style: chr14-64686009-T-G.
Other names: c.19672T>G, p.Ser6558Ala (NM_015180.6); c.265T>G, p.Ser89Ala (NM_182910.2); c.643T>G, p.Ser215Ala (NM_182913.4); short protein forms S6558A, S89A, S215A, S6581A.
Identifiers: ClinVar variation 1392919 (VCV001392919.8), dbSNP rs2140353373, ClinGen allele CA389964346.